The following is an entry in ClinVar:

NM_004859.4(CLTC):c.4180_4181del (p.Ile1394fs)

Genes: CLTC (clathrin heavy chain; plus strand), LOC126862609 (CDK7 strongly-dependent group 2 enhancer GRCh37_chr17:57760547-57761746; plus strand). Cytogenetic location: 17q23.1.
Variant type: Microsatellite.
Coding change: c.4180_4181del on transcript NM_004859.4 (MANE Select); coding-DNA positions 4180 to 4181, 2 bases deleted (AT; older notation c.4180_4181delAT).
Protein change: p.Ile1394fs; shifts the reading frame from isoleucine 1394.
Molecular consequence: frameshift variant.
Genome position (GRCh38, 1-based): chr17:59,683,525-59,683,526, AT deleted; deleting any 2 consecutive bases within chr17:59,683,523-59,683,526 gives the same sequence; the c. name uses the placement nearest the transcript's 3' end. VCF-style (leftmost placement, unchanged base first): chr17-59683522-GAT-G. GRCh37 (hg19) VCF-style: chr17-57760883-GAT-G.
Other names: c.4192_4193del, p.Ile1398fs (NM_001288653.2); short protein forms I1394fs, I1398fs.
Identifiers: ClinVar variation 3772323 (VCV003772323.13).

ClinVar aggregate classification (germline): Pathogenic (1 of 4 stars; one submission).

Submission:

CeGaT Center for Human Genetics Tuebingen
Classification: Pathogenic. Last evaluated: 2025-01-01. Review status: criteria provided, single submitter. Criteria: CeGaT Center For Human Genetics Tuebingen Variant Classification Criteria Version 2. Collection method: clinical testing. Allele origin: germline. Affected: yes. Observed: 1 variant allele.
Comment: CLTC: PVS1, PM2